The following is an entry in ClinVar:

ClinVar aggregate classification (germline): Pathogenic (1 of 4 stars; one submission).

Conditions:
Osteogenesis imperfecta type I (OI1). Also called: Lobstein disease; Classic Non-deforming Osteogenesis Imperfecta with Blue Sclerae; OI, TYPE I; OSTEOGENESIS IMPERFECTA TARDA; OSTEOGENESIS IMPERFECTA WITH BLUE SCLERAE; Osteogenesis imperfecta type 1. Identifiers: Orphanet 216796, Orphanet 666, MedGen C0023931, MONDO:0008146, OMIM 166200. Disease mechanism: loss of function.

Submission:

Labcorp Genetics (formerly Invitae), Labcorp
Classification: Pathogenic for Osteogenesis imperfecta type I. Last evaluated: 2025-04-14. Review status: criteria provided, single submitter. Criteria: Invitae Variant Classification Sherloc (09022015). Collection method: clinical testing. Allele origin: germline.
Comment: This sequence change creates a premature translational stop signal (p.Ala649Glyfs*6) in the COL1A1 gene. It is expected to result in an absent or disrupted protein product. Loss-of-function variants in COL1A1 are known to be pathogenic (PMID: 7942841, 9295084, 9443882). This variant is not present in population databases (gnomAD no frequency). This variant has not been reported in the literature in individuals affected with COL1A1-related conditions. For these reasons, this variant has been classified as Pathogenic.

Literature cited by the submitters: PubMed 7942841; PubMed 9295084; PubMed 9443882.

NM_000088.4(COL1A1):c.1945dup (p.Ala649fs)

Gene: COL1A1 (collagen type I alpha 1 chain; minus strand). Cytogenetic location: 17q21.33.
Variant type: Duplication.
Coding change: c.1945dup on transcript NM_000088.4 (MANE Select); coding-DNA position 1945, one base duplicated (G; older notation c.1945dupG).
Protein change: p.Ala649fs; shifts the reading frame from alanine 649.
Molecular consequence: frameshift variant.
Genome position (GRCh38, 1-based): chr17:50,192,513, C duplicated on the plus strand (G on the coding strand, the reverse complement: COL1A1 is on the minus strand). VCF-style (leftmost placement, unchanged base first): chr17-50192512-G-GC. GRCh37 (hg19) VCF-style: chr17-48269873-G-GC.
Other names: short protein forms A649fs.
Identifiers: ClinVar variation 4717539 (VCV004717539.1).